The following is an entry in ClinVar:

ClinVar aggregate classification (germline): Uncertain significance. Review status: criteria provided, multiple submitters, no conflicts (2 of 4 stars). 2 submissions from 2 submitters: Uncertain significance (2). Last evaluated 2022-10-03.

Conditions:
Retinitis pigmentosa (RP). Identifiers: Orphanet 791, MedGen C0035334, MeSH D012174, MONDO:0019200, OMIM 268000. Inheritance: Autosomal dominant, autosomal recessive and X linked inheritance.

Allele frequency attached by ClinVar (database versions not stated): TOPMed 0.00005; gnomAD 0.00006 and 0.00009; 1000 Genomes Project 30x 0.00031.

Submissions (2):

Labcorp Genetics (formerly Invitae), Labcorp
Classification: Uncertain significance. Last evaluated: 2022-10-03. Review status: criteria provided, single submitter. Criteria: Invitae Variant Classification Sherloc (09022015). Collection method: clinical testing. Allele origin: germline.
Comment: This variant occurs in a non-coding region of the EYS gene. It does not change the encoded amino acid sequence of the EYS protein. This variant is present in population databases (rs747914953, gnomAD 0.1%). This variant has not been reported in the literature in individuals affected with EYS-related conditions. ClinVar contains an entry for this variant (Variation ID: 357754). Experimental studies and prediction algorithms are not available or were not evaluated, and the functional significance of this variant is currently unknown. In summary, the available evidence is currently insufficient to determine the role of this variant in disease. Therefore, it has been classified as a Variant of Uncertain Significance.

Illumina Laboratory Services, Illumina
Classification: Uncertain significance for Retinitis pigmentosa. Last evaluated: 2018-01-13. Review status: criteria provided, single submitter. Criteria: ICSL Variant Classification Criteria 13 December 2019. Collection method: clinical testing. Allele origin: germline.

NM_001142800.2(EYS):c.-272T>C

Gene: EYS (EGF-like photoreceptor maintenance factor; minus strand). Cytogenetic location: 6q12.
Variant type: single nucleotide variant.
Coding change: c.-272T>C on transcript NM_001142800.2 (MANE Select); 272 bases upstream of the start codon, T replaced by C.
Molecular consequence: 5 prime UTR variant.
Genome position (GRCh38, 1-based): chr6:65,495,933, A>G on the plus strand (T>C on the coding strand, the complement: EYS is on the minus strand). VCF-style: chr6-65495933-A-G. GRCh37 (hg19) VCF-style: chr6-66205826-A-G.
Other names: c.-272T>C (NM_001142801.2, NM_001292009.2, NM_198283.2).
Identifiers: ClinVar variation 357754 (VCV000357754.8), dbSNP rs747914953, ClinGen allele CA10624527.
Genomic context (GRCh38, chr6:65,495,933, plus strand): 5'-TTTTCTCTTTACACCAAGCTTCAATCTAATCAAAACACAGCACAGCCAAGATTCTTTTAC[A>G]GATGGTTTCAATTTTCTTGGGAGATAAGCATTCCTCTTCTGATTAGTTTTCAAAAAACAC-3'